The following is an entry in ClinVar:

ClinVar aggregate classification (germline): Likely pathogenic (1 of 4 stars; one submission).

Conditions:
Monogenic hearing loss.

gnomAD v4.1: 2 of 1,611,880 alleles (0.00012%); highest among the groups gnomAD compares: Non-Finnish European, 0.00017%; no homozygotes.

Submission:

North West Genomic Laboratory Hub, Manchester University NHS Foundation Trust
Classification: Likely pathogenic for Monogenic hearing loss. Last evaluated: 2026-08-10. Review status: criteria provided, single submitter. Criteria: ACGS Best Practice Guidelines for Variant Classification in Rare Disease 2024. Collection method: clinical testing. Allele origin: germline. Affected: yes.
Comment: PM2_Mod PP3_Supp PP4_Mod PM1_Supp

NM_000222.3(KIT):c.2395C>T (p.Leu799Phe)

Gene: KIT (KIT proto-oncogene, receptor tyrosine kinase; plus strand). Cytogenetic location: 4q12.
Variant type: single nucleotide variant.
Coding change: c.2395C>T on transcript NM_000222.3 (MANE Select); coding-DNA position 2395, C replaced by T.
Protein change: p.Leu799Phe; replaces leucine 799 with phenylalanine.
Molecular consequence: missense variant.
Genome position (GRCh38, 1-based): chr4:54,733,103, C>T. VCF-style: chr4-54733103-C-T. GRCh37 (hg19) VCF-style: chr4-55599269-C-T.
Other names: c.2383C>T, p.Leu795Phe (NM_001093772.2, NM_001385292.1); c.2398C>T, p.Leu800Phe (NM_001385284.1); c.2392C>T, p.Leu798Phe (NM_001385285.1); c.2380C>T, p.Leu794Phe (NM_001385286.1); c.2386C>T, p.Leu796Phe (NM_001385288.1); c.2395C>T, p.Leu799Phe (NM_001385290.1); short protein forms L794F, L795F, L796F, L798F, L799F, L800F.
Identifiers: ClinVar variation 4887046 (VCV004887046.1).